The following is an entry in ClinVar:

ClinVar aggregate classification (germline): Uncertain significance (1 of 4 stars; one submission).

Submission:

GeneDx
Classification: Uncertain significance. Last evaluated: 2021-11-12. Review status: criteria provided, single submitter. Criteria: GeneDx Variant Classification Process June 2021. Collection method: clinical testing. Allele origin: germline. Affected: yes.
Comment: Not observed at significant frequency in large population cohorts (gnomAD); In silico analysis supports that this missense variant has a deleterious effect on protein structure/function; Has not been previously published as pathogenic or benign to our knowledge

NM_000827.4(GRIA1):c.2134G>A (p.Gly712Ser)

Gene: GRIA1 (glutamate ionotropic receptor AMPA type subunit 1; plus strand). Cytogenetic location: 5q33.2.
Variant type: single nucleotide variant.
Coding change: c.2134G>A on transcript NM_000827.4 (MANE Select); coding-DNA position 2134, G replaced by A.
Protein change: p.Gly712Ser; replaces glycine 712 with serine.
Molecular consequence: missense variant. On other transcripts: non-coding transcript variant (2).
Genome position (GRCh38, 1-based): chr5:153,770,279, G>A. VCF-style: chr5-153770279-G-A. GRCh37 (hg19) VCF-style: chr5-153149839-G-A.
Other names: c.2134G>A, p.Gly712Ser (NM_001114183.2); c.1894G>A, p.Gly632Ser (NM_001258019.2); c.1849G>A, p.Gly617Ser (NM_001258020.2); c.2164G>A, p.Gly722Ser (NM_001258021.2, NM_001258022.2); c.1927G>A, p.Gly643Ser (NM_001258023.1, NM_001364167.2); c.1966G>A, p.Gly656Ser (NM_001364165.2); c.2161G>A, p.Gly721Ser (NM_001364166.2); short protein forms G617S, G632S, G643S, G656S, G712S, G721S, G722S.
Identifiers: ClinVar variation 1684102 (VCV001684102.2), dbSNP rs867663173, ClinGen allele CA130361443.